The following is an entry in ClinVar:

ClinVar aggregate classification (germline): Uncertain significance (1 of 4 stars; one submission).

Conditions:
Charcot-Marie-Tooth disease axonal type 2C (HMSN2C). Also called: Charcot-Marie-Tooth Disease Type 2, TRPV4-Related (CMT2C); CHARCOT-MARIE-TOOTH DISEASE, AXONAL, AUTOSOMAL DOMINANT, TYPE 2C; Charcot-Marie-Tooth Neuropathy Type 2C. Identifiers: Orphanet 99937, MedGen C1853710, MONDO:0011633, OMIM 606071.

Submission:

Labcorp Genetics (formerly Invitae), Labcorp
Classification: Uncertain significance for Charcot-Marie-Tooth disease axonal type 2C. Last evaluated: 2025-04-17. Review status: criteria provided, single submitter. Criteria: Invitae Variant Classification Sherloc (09022015). Collection method: clinical testing. Allele origin: germline.
Comment: This sequence change replaces valine, which is neutral and non-polar, with alanine, which is neutral and non-polar, at codon 79 of the TRPV4 protein (p.Val79Ala). This variant is not present in population databases (gnomAD no frequency). This variant has not been reported in the literature in individuals affected with TRPV4-related conditions. Invitae Evidence Modeling of protein sequence and biophysical properties (such as structural, functional, and spatial information, amino acid conservation, physicochemical variation, residue mobility, and thermodynamic stability) indicates that this missense variant is not expected to disrupt TRPV4 protein function with a negative predictive value of 95%. In summary, the available evidence is currently insufficient to determine the role of this variant in disease. Therefore, it has been classified as a Variant of Uncertain Significance.

NM_021625.5(TRPV4):c.236T>C (p.Val79Ala)

Gene: TRPV4 (transient receptor potential cation channel subfamily V member 4; minus strand). Cytogenetic location: 12q24.11.
Variant type: single nucleotide variant.
Coding change: c.236T>C on transcript NM_021625.5 (MANE Select); coding-DNA position 236, T replaced by C.
Protein change: p.Val79Ala; replaces valine 79 with alanine.
Molecular consequence: missense variant.
Genome position (GRCh38, 1-based): chr12:109,814,561, A>G on the plus strand (T>C on the coding strand, the complement: TRPV4 is on the minus strand). VCF-style: chr12-109814561-A-G. GRCh37 (hg19) VCF-style: chr12-110252366-A-G.
Other names: c.236T>C, p.Val79Ala (NM_001177428.2, NM_001177433.2, NM_147204.3); c.134T>C, p.Val45Ala (NM_001177431.2); short protein forms V45A, V79A.
Identifiers: ClinVar variation 4803081 (VCV004803081.1).